The following is an entry in ClinVar:

NM_021922.3(FANCE):c.1319A>G (p.Gln440Arg)

Gene: FANCE (FA complementation group E; plus strand). Cytogenetic location: 6p21.31.
Variant type: single nucleotide variant.
Coding change: c.1319A>G on transcript NM_021922.3 (MANE Select); coding-DNA position 1319, A replaced by G.
Protein change: p.Gln440Arg; replaces glutamine 440 with arginine.
Molecular consequence: missense variant. On other transcripts: intron variant (1).
Genome position (GRCh38, 1-based): chr6:35,460,554, A>G. VCF-style: chr6-35460554-A-G. GRCh37 (hg19) VCF-style: chr6-35428331-A-G.
Other names: c.1316+794A>G (NM_001410876.1); short protein forms Q440R.
Identifiers: ClinVar variation 1907468 (VCV001907468.5), dbSNP rs2533684692, ClinGen allele CA363777386.

ClinVar aggregate classification (germline): Uncertain significance (1 of 4 stars; one submission).

Conditions:
Fanconi anemia complementation group E (FANCE). Also called: FANCE-Related Fanconi Anemia. Identifiers: Orphanet 84, MedGen C3160739, MONDO:0010953, OMIM 600901.

Submission:

Labcorp Genetics (formerly Invitae), Labcorp
Classification: Uncertain significance for Fanconi anemia complementation group E. Last evaluated: 2022-09-28. Review status: criteria provided, single submitter. Criteria: Invitae Variant Classification Sherloc (09022015). Collection method: clinical testing. Allele origin: germline.
Comment: This sequence change replaces glutamine, which is neutral and polar, with arginine, which is basic and polar, at codon 440 of the FANCE protein (p.Gln440Arg). This variant is not present in population databases (gnomAD no frequency). This variant has not been reported in the literature in individuals affected with FANCE-related conditions. Algorithms developed to predict the effect of missense changes on protein structure and function output the following: SIFT: "Tolerated"; PolyPhen-2: "Benign"; Align-GVGD: "Class C0". The arginine amino acid residue is found in multiple mammalian species, which suggests that this missense change does not adversely affect protein function. Algorithms developed to predict the effect of sequence changes on RNA splicing suggest that this variant may disrupt the consensus splice site. In summary, the available evidence is currently insufficient to determine the role of this variant in disease. Therefore, it has been classified as a Variant of Uncertain Significance.